The following is an entry in ClinVar:

ClinVar aggregate classification (germline): Uncertain significance (1 of 4 stars; one submission).

Allele frequency attached by ClinVar (database versions not stated): TOPMed below 0.00001.

Submission:

Labcorp Genetics (formerly Invitae), Labcorp
Classification: Uncertain significance. Last evaluated: 2022-08-10. Review status: criteria provided, single submitter. Criteria: Invitae Variant Classification Sherloc (09022015). Collection method: clinical testing. Allele origin: germline.
Comment: In summary, the available evidence is currently insufficient to determine the role of this variant in disease. Therefore, it has been classified as a Variant of Uncertain Significance. Algorithms developed to predict the effect of missense changes on protein structure and function are either unavailable or do not agree on the potential impact of this missense change (SIFT: "Deleterious"; PolyPhen-2: "Benign"; Align-GVGD: "Class C0"). ClinVar contains an entry for this variant (Variation ID: 1523317). This variant has not been reported in the literature in individuals affected with GUCY2C-related conditions. This variant is present in population databases (no rsID available, gnomAD 0.01%). This sequence change replaces methionine, which is neutral and non-polar, with threonine, which is neutral and polar, at codon 453 of the GUCY2C protein (p.Met453Thr).

NM_004963.4(GUCY2C):c.1358T>C (p.Met453Thr)

Gene: GUCY2C (guanylate cyclase 2C; minus strand). Cytogenetic location: 12p12.3.
Variant type: single nucleotide variant.
Coding change: c.1358T>C on transcript NM_004963.4 (MANE Select); coding-DNA position 1358, T replaced by C.
Protein change: p.Met453Thr; replaces methionine 453 with threonine.
Molecular consequence: missense variant.
Genome position (GRCh38, 1-based): chr12:14,660,987, A>G on the plus strand (T>C on the coding strand, the complement: GUCY2C is on the minus strand). VCF-style: chr12-14660987-A-G. GRCh37 (hg19) VCF-style: chr12-14813921-A-G.
Other names: short protein forms M453T.
Identifiers: ClinVar variation 1523317 (VCV001523317.8), dbSNP rs1229387174, ClinGen allele CA383993614.